The following is an entry in ClinVar:

NM_032217.5(ANKRD17):c.4229_4232del (p.Asn1410fs)

Gene: ANKRD17 (ankyrin repeat domain 17; minus strand). Cytogenetic location: 4q13.3.
Variant type: Deletion.
Coding change: c.4229_4232del on transcript NM_032217.5 (MANE Select); coding-DNA positions 4229 to 4232, 4 bases deleted (ATCA; older notation c.4229_4232delATCA).
Protein change: p.Asn1410fs; shifts the reading frame from asparagine 1410.
Molecular consequence: frameshift variant.
Genome position (GRCh38, 1-based): chr4:73,115,873-73,115,876, TGAT deleted on the plus strand (ATCA on the coding strand, the reverse complement: ANKRD17 is on the minus strand); deleting any 4 consecutive bases within chr4:73,115,873-73,115,879 gives the same sequence; the c. name uses the placement nearest the transcript's 3' end. VCF-style (leftmost placement, unchanged base first): chr4-73115872-CTGAT-C. GRCh37 (hg19) VCF-style: chr4-73981589-CTGAT-C.
Other names: c.3890_3893del, p.Asn1297fs (NM_001286771.3); c.4226_4229del, p.Asn1409fs (NM_015574.2); c.3476_3479del, p.Asn1159fs (NM_198889.3); short protein forms N1159fs, N1297fs, N1409fs, N1410fs.
Identifiers: ClinVar variation 4281518 (VCV004281518.7).
Genomic context (GRCh38, chr4:73,115,872, plus strand): 5'-ACATATTACCTTATCAGTGATGGTTGCTATGTATCTCATACATTCAGAATCTGATGGAAA[CTGAT>C]TGACTTCTTTGACTAAGTAGCGCACCACCTTCACATGACCCTAAAAAATAGATATCAATG-3'

ClinVar aggregate classification (germline): Pathogenic (1 of 4 stars; one submission).

Submission:

CeGaT Center for Human Genetics Tuebingen
Classification: Pathogenic. Last evaluated: 2025-09-01. Review status: criteria provided, single submitter. Criteria: CeGaT Center For Human Genetics Tuebingen Variant Classification Criteria Version 2. Collection method: clinical testing. Allele origin: germline. Affected: yes. Observed: 1 variant allele.
Comment: ANKRD17: PVS1, PM2